The following is an entry in ClinVar:

NM_032898.5(CEP19):c.109C>T (p.Arg37Ter)

Gene: CEP19 (centrosomal protein 19; minus strand). Cytogenetic location: 3q29.
Variant type: single nucleotide variant.
Coding change: c.109C>T on transcript NM_032898.5 (MANE Select); coding-DNA position 109, C replaced by T.
Protein change: p.Arg37Ter; replaces arginine 37 with a stop codon.
Molecular consequence: nonsense. On other transcripts: intron variant (1).
Genome position (GRCh38, 1-based): chr3:196,708,549, G>A on the plus strand (C>T on the coding strand, the complement: CEP19 is on the minus strand). VCF-style: chr3-196708549-G-A. GRCh37 (hg19) VCF-style: chr3-196435420-G-A.
Other names: c.109C>T, p.Arg37Ter (NM_001379469.1, NM_001379470.1); c.26-637C>T (NM_001379468.1); short protein forms R37*.
Identifiers: ClinVar variation 1035779 (VCV001035779.4), dbSNP rs1476033976, ClinGen allele CA355634748.

ClinVar aggregate classification (germline): Uncertain significance. Review status: criteria provided, multiple submitters, no conflicts (2 of 4 stars). 2 submissions from 2 submitters: Uncertain significance (2). Last evaluated 2024-08-30.

Allele frequency attached by ClinVar (database versions not stated): gnomAD 0.00001; TOPMed 0.00001.
gnomAD v4.1: 17 of 1,613,908 alleles (0.0011%); highest among the groups gnomAD compares: Admixed American, 0.0017%; no homozygotes.

Submissions (2):

Labcorp Genetics (formerly Invitae), Labcorp
Classification: Uncertain significance. Last evaluated: 2024-08-30. Review status: criteria provided, single submitter. Criteria: Invitae Variant Classification Sherloc (09022015). Collection method: clinical testing. Allele origin: germline.
Comment: This sequence change creates a premature translational stop signal (p.Arg41*) in the CEP19 gene. While this is not anticipated to result in nonsense mediated decay, it is expected to disrupt the last 127 amino acid(s) of the CEP19 protein. This variant is present in population databases (no rsID available, gnomAD 0.02%). This variant has not been reported in the literature in individuals affected with CEP19-related conditions. ClinVar contains an entry for this variant (Variation ID: 1035779). Experimental studies and prediction algorithms are not available or were not evaluated, and the functional significance of this variant is currently unknown. Algorithms developed to predict the effect of sequence changes on RNA splicing suggest that this variant may disrupt the consensus splice site. In summary, the available evidence is currently insufficient to determine the role of this variant in disease. Therefore, it has been classified as a Variant of Uncertain Significance.

Blueprint Genetics
Classification: Uncertain significance. Last evaluated: 2023-11-13. Review status: criteria provided, single submitter. Criteria: ACMG Guidelines, 2015. Collection method: clinical testing. Allele origin: germline.